The following is an entry in ClinVar:

NM_001375524.1(TRRAP):c.6322C>G (p.Leu2108Val)

Gene: TRRAP (transformation/transcription domain associated protein; plus strand). Cytogenetic location: 7q22.1.
Variant type: single nucleotide variant.
Coding change: c.6322C>G on transcript NM_001375524.1 (MANE Select); coding-DNA position 6322, C replaced by G.
Protein change: p.Leu2108Val; replaces leucine 2108 with valine.
Molecular consequence: missense variant.
Genome position (GRCh38, 1-based): chr7:98,958,071, C>G. VCF-style: chr7-98958071-C-G. GRCh37 (hg19) VCF-style: chr7-98555694-C-G.
Other names: c.6301C>G (NM_001244580.1); c.6247C>G (NM_003496.3); c.6301C>G, p.Leu2101Val (NM_001244580.2); c.6247C>G, p.Leu2083Val (NM_003496.4); short protein forms L2101V, L2083V, L2108V.
Identifiers: ClinVar variation 2960977 (VCV002960977.8), dbSNP rs1044270109, ClinGen allele CA163058048.

ClinVar aggregate classification (germline): Uncertain significance. Review status: criteria provided, multiple submitters, no conflicts (2 of 4 stars). 6 submissions from 6 submitters: Uncertain significance (6). Last evaluated 2026-09-08.

Conditions:
TRRAP-related disorder. Also called: TRRAP-related condition.
Inborn genetic diseases. Identifiers: MedGen C0950123, MeSH D030342.
Complex neurodevelopmental disorder with or without congenital anomalies. Identifiers: MedGen CN315647, MONDO:0100465.

gnomAD v4.1: 10 of 1,614,124 alleles (0.00062%); highest among the groups gnomAD compares: Non-Finnish European, 0.00085%; no homozygotes.

Submissions (6):

PreventionGenetics, part of Exact Sciences
Classification: Uncertain significance for TRRAP-related condition. Last evaluated: 2026-09-08. Review status: criteria provided, single submitter. Criteria: ACMG Guidelines, 2015. Collection method: clinical testing. Allele origin: germline.
Comment: The TRRAP c.6247C>G variant is predicted to result in the amino acid substitution p.Leu2083Val. To our knowledge, this variant has not been reported in the literature. This variant is reported in 0.00088% of alleles in individuals of European (Non-Finnish) descent in gnomAD. At this time, the clinical significance of this variant is uncertain due to the absence of conclusive functional and genetic evidence.

Ambry Genetics
Classification: Uncertain significance for Inborn genetic diseases. Last evaluated: 2026-04-16. Review status: criteria provided, single submitter. Criteria: Ambry Variant Classification Scheme 2023. Collection method: clinical testing. Allele origin: germline.
Comment: The c.6301C>G (p.L2101V) alteration is located in exon 43 (coding exon 42) of the TRRAP gene. This alteration results from a C to G substitution at nucleotide position 6301, causing the leucine (L) at amino acid position 2101 to be replaced by a valine (V). Based on data from gnomAD, the G allele has an overall frequency of <0.001% (1/251230) total alleles studied. The highest observed frequency was 0.001% (1/113618) of European (non-Finnish) alleles. Based on insufficient or conflicting evidence, the clinical significance of this alteration remains unclear.

Women's Health and Genetics/Laboratory Corporation of America, LabCorp
Classification: Uncertain significance. Last evaluated: 2026-03-26. Review status: criteria provided, single submitter. Criteria: LabCorp Variant Classification Summary - May 2015. Collection method: clinical testing. Allele origin: germline.
Comment: Variant summary: TRRAP c.6247C>G (p.Leu2083Val) results in a conservative amino acid change in the encoded protein sequence. Algorithms developed to predict the effect of missense changes on protein structure and function are either unavailable or do not agree on the potential impact of this missense change. The variant allele was found at a frequency of 4e-06 in 251230 control chromosomes. The available data on variant occurrences in the general population are insufficient to allow any conclusion about variant significance. To our knowledge, no occurrence of c.6247C>G in individuals affected with TRRAP-related conditions and no experimental evidence demonstrating its impact on protein function have been reported. ClinVar contains an entry for this variant (Variation ID: 2960977). Based on the evidence outlined above, the variant was classified as uncertain significance.

Labcorp Genetics (formerly Invitae), Labcorp
Classification: Uncertain significance. Last evaluated: 2023-10-23. Review status: criteria provided, single submitter. Criteria: Invitae Variant Classification Sherloc (09022015). Collection method: clinical testing. Allele origin: germline.
Comment: This sequence change replaces leucine, which is neutral and non-polar, with valine, which is neutral and non-polar, at codon 2083 of the TRRAP protein (p.Leu2083Val). This variant is present in population databases (no rsID available, gnomAD 0.0009%). This variant has not been reported in the literature in individuals affected with TRRAP-related conditions. This missense change has been observed in at least one individual who was not affected with TRRAP-related conditions (Invitae). Advanced modeling of protein sequence and biophysical properties (such as structural, functional, and spatial information, amino acid conservation, physicochemical variation, residue mobility, and thermodynamic stability) performed at Invitae indicates that this missense variant is expected to disrupt TRRAP protein function with a positive predictive value of 80%. In summary, the available evidence is currently insufficient to determine the role of this variant in disease. Therefore, it has been classified as a Variant of Uncertain Significance.

Department of Pathology and Laboratory Medicine, Sinai Health System
Classification: Uncertain significance for complex neurodevelopmental disorder with or without congenital anomalies. Last evaluated: 2020-10-22. Review status: criteria provided, single submitter. Criteria: ACMG Guidelines, 2015. Collection method: research. Allele origin: germline.

Blueprint Genetics
Classification: Uncertain significance. Last evaluated: 2019-03-14. Review status: criteria provided, single submitter. Criteria: ACMG Guidelines, 2015. Collection method: clinical testing. Allele origin: germline.